The following is an entry in ClinVar:

NM_145064.3(STAC3):c.375C>T (p.Thr125=)

Gene: STAC3 (SH3 and cysteine rich domain 3; minus strand). Cytogenetic location: 12q13.3.
Variant type: single nucleotide variant.
Coding change: c.375C>T on transcript NM_145064.3 (MANE Select); coding-DNA position 375, C replaced by T.
Protein change: p.Thr125=; no amino-acid change (threonine 125 retained).
Molecular consequence: synonymous variant. On other transcripts: intron variant (1).
Genome position (GRCh38, 1-based): chr12:57,248,763, G>A on the plus strand (C>T on the coding strand, the complement: STAC3 is on the minus strand). VCF-style: chr12-57248763-G-A. GRCh37 (hg19) VCF-style: chr12-57642546-G-A.
Other names: c.375C>T (NM_145064.2); c.258C>T, p.Thr86= (NM_001286256.2); c.-126-565C>T (NM_001286257.2).
Identifiers: ClinVar variation 1631401 (VCV001631401.10), dbSNP rs571406474, ClinGen allele CA6647167.

ClinVar aggregate classification (germline): Likely benign. Review status: criteria provided, single submitter (1 of 4 stars). 2 submissions from 2 submitters: Likely benign (1). 1 of the submissions does not count toward it. Last evaluated 2024-02-24.

Conditions:
Bailey-Bloch congenital myopathy (CMYO13). Also called: Native American myopathy; Congenital myopathy 13; STAC3 disorder. Identifiers: Orphanet 168572, MedGen C1850625, MONDO:0009722, OMIM 255995.
STAC3-related disorder. Also called: STAC3-related condition.

Allele frequency attached by ClinVar (database versions not stated): TOPMed 0.00001; gnomAD 0.00005; ExAC 0.00007; gnomAD exomes 0.00008; 1000 Genomes Project 0.00080; 1000 Genomes Project 30x 0.00109.
gnomAD v4.1: 79 of 1,614,106 alleles (0.0049%); highest among the groups gnomAD compares: South Asian, 0.08%; no homozygotes.

Submissions (2):

Labcorp Genetics (formerly Invitae), Labcorp
Classification: Likely benign for Bailey-Bloch congenital myopathy. Last evaluated: 2024-02-24. Review status: criteria provided, single submitter. Criteria: Invitae Variant Classification Sherloc (09022015). Collection method: clinical testing. Allele origin: germline.

PreventionGenetics, part of Exact Sciences
Classification: Likely benign for STAC3-related condition. Last evaluated: 2019-07-02. Review status: no assertion criteria provided. Collection method: clinical testing. Allele origin: germline. Not counted in ClinVar's aggregate classification.
Comment: This variant is classified as likely benign based on ACMG/AMP sequence variant interpretation guidelines (Richards et al. 2015 PMID: 25741868, with internal and published modifications).